The following is an entry in ClinVar:

ClinVar aggregate classification (germline): Pathogenic (1 of 4 stars; one submission).

Submission:

GeneDx
Classification: Pathogenic. Last evaluated: 2025-01-15. Review status: criteria provided, single submitter. Criteria: GeneDx Variant Classification Process June 2021. Collection method: clinical testing. Allele origin: germline. Affected: yes.
Comment: Frameshift variant predicted to result in abnormal protein length as the last 760 amino acids are replaced with 55 different amino acids, and other similar variants have been reported in HGMD; Not observed at significant frequency in large population cohorts (gnomAD); This variant is associated with the following publications: (PMID: 29724491, 35982160, 35982159, 31981491, 25418537)

NM_001282531.3(ADNP):c.1026dup (p.Val343fs)

Gene: ADNP (activity dependent neuroprotector homeobox; minus strand). Cytogenetic location: 20q13.13.
Variant type: Duplication.
Coding change: c.1026dup on transcript NM_001282531.3 (MANE Select); coding-DNA position 1026, one base duplicated (T; older notation c.1026dupT).
Protein change: p.Val343fs; shifts the reading frame from valine 343.
Molecular consequence: frameshift variant.
Genome position (GRCh38, 1-based): chr20:50,893,688, A duplicated on the plus strand (T on the coding strand, the reverse complement: ADNP is on the minus strand). VCF-style (leftmost placement, unchanged base first): chr20-50893687-C-CA. GRCh37 (hg19) VCF-style: chr20-49510224-C-CA.
Other names: c.1026dup, p.Val343fs (NM_001282532.2, NM_001347511.2, NM_015339.5 and 1 more transcripts); short protein forms V343fs.
Identifiers: ClinVar variation 4070591 (VCV004070591.1).